The following is an entry in ClinVar:

ClinVar aggregate classification (germline): Conflicting classifications of pathogenicity. Review status: criteria provided, conflicting classifications (1 of 4 stars). 6 submissions from 6 submitters: Uncertain significance (2); Likely benign (4). Last evaluated 2025-12-09.

Conditions:
Inborn genetic diseases. Identifiers: MedGen C0950123, MeSH D030342.
Charcot-Marie-Tooth disease axonal type 2O. Also called: Charcot-Marie-Tooth Neuropathy Type 2O; Charcot-Marie-Tooth disease, axonal, type 20; CHARCOT-MARIE-TOOTH NEUROPATHY, AXONAL, TYPE 2O; CHARCOT-MARIE-TOOTH DISEASE, AXONAL, AUTOSOMAL DOMINANT, TYPE 2O. Identifiers: Orphanet 284232, MedGen C3280220, MONDO:0013644, OMIM 614228.
Autosomal dominant childhood-onset proximal spinal muscular atrophy without contractures. Also called: KUGELBERG-WELANDER SYNDROME, AUTOSOMAL DOMINANT; SPINAL MUSCULAR ATROPHY, JUVENILE, PROXIMAL, AUTOSOMAL DOMINANT; Spinal muscular atrophy, lower extremity-predominant 1, AD; SPINAL MUSCULAR ATROPHY, CHILDHOOD, PROXIMAL, AUTOSOMAL DOMINANT. Identifiers: Orphanet 209341, Orphanet 363447, MedGen C5780022, MONDO:0008026, OMIM 158600.
Cortical dysplasia, complex, with other brain malformations 13. Also called: Intellectual disability, autosomal dominant 13. Identifiers: MedGen C3281202, MONDO:0013805, OMIM 614563.

Allele frequency attached by ClinVar (database versions not stated): ExAC 0.00002; TOPMed 0.00006.
gnomAD v4.1: 47 of 1,614,106 alleles (0.0029%); highest among the groups gnomAD compares: Admixed American, 0.038%; no homozygotes.

Submissions (6):

Labcorp Genetics (formerly Invitae), Labcorp
Classification: Likely benign for Charcot-Marie-Tooth disease axonal type 2O. Last evaluated: 2025-12-09. Review status: criteria provided, single submitter. Criteria: Invitae Variant Classification Sherloc (09022015). Collection method: clinical testing. Allele origin: germline.

CeGaT Center for Human Genetics Tuebingen
Classification: Likely benign. Last evaluated: 2025-12-01. Review status: criteria provided, single submitter. Criteria: CeGaT Center For Human Genetics Tuebingen Variant Classification Criteria Version 2. Collection method: clinical testing. Allele origin: germline. Affected: yes. Observed: 1 variant allele.
Comment: DYNC1H1: BP4, BS2

New York Genome Center
Classification: Uncertain significance for Cortical dysplasia, complex, with other brain malformations 13. Last evaluated: 2021-09-16. Review status: criteria provided, single submitter. Criteria: NYGC Assertion Criteria 2020. Collection method: clinical testing. Allele origin: inherited. Observed: 1 heterozygote. Study: CSER-NYCKidSeq.

GeneDx
Classification: Likely benign. Last evaluated: 2020-10-15. Review status: criteria provided, single submitter. Criteria: GeneDx Variant Classification Process June 2021. Collection method: clinical testing. Allele origin: germline. Affected: yes.

Ambry Genetics
Classification: Likely benign for Inborn genetic diseases. Last evaluated: 2018-12-03. Review status: criteria provided, single submitter. Criteria: Ambry Variant Classification Scheme 2023. Collection method: clinical testing. Allele origin: germline.

Center for Genomics, Ann and Robert H. Lurie Children's Hospital of Chicago
Classification: Uncertain significance for Charcot-Marie-Tooth disease axonal type 2O; Autosomal dominant childhood-onset proximal spinal muscular atrophy without contractures; Cortical dysplasia, complex, with other brain malformations 13. Review status: criteria provided, single submitter. Criteria: ACMG Guidelines, 2015. Collection method: clinical testing. Allele origin: germline.
Comment: DYNC1H1 NM_001376.4 exon 63 p.Val3936Met (c.11806G>A): This variant has not been reported in the literature and is present in 0.01% (4/35436) of Latino alleles in the Genome Aggregation Database. This variant amino acid Methionine (Met) is present in several species including multiple mammals, and it is not well conserved among evolutionarily distant species; this suggests that this variant may not impact the protein. Additional computational prediction tools do not suggest an impact. In summary, data on this variant is insufficient for disease classification. Therefore, the clinical significance of this variant is uncertain

NM_001376.5(DYNC1H1):c.11806G>A (p.Val3936Met)

Gene: DYNC1H1 (dynein cytoplasmic 1 heavy chain 1; plus strand). Cytogenetic location: 14q32.31.
Variant type: single nucleotide variant.
Coding change: c.11806G>A on transcript NM_001376.5 (MANE Select); coding-DNA position 11806, G replaced by A.
Protein change: p.Val3936Met; replaces valine 3936 with methionine.
Molecular consequence: missense variant.
Genome position (GRCh38, 1-based): chr14:102,040,351, G>A. VCF-style: chr14-102040351-G-A. GRCh37 (hg19) VCF-style: chr14-102506688-G-A.
Other names: short protein forms V3936M.
Identifiers: ClinVar variation 625931 (VCV000625931.19), dbSNP rs780676515, ClinGen allele CA7353728.